The following is an entry in ClinVar:

ClinVar aggregate classification (germline): Uncertain significance. Review status: criteria provided, multiple submitters, no conflicts (2 of 4 stars). 2 submissions from 2 submitters: Uncertain significance (2). Last evaluated 2025-08-07.

Allele frequency attached by ClinVar (database versions not stated): ESP Exome Variant Server 0.00008; gnomAD exomes 0.00014; TOPMed 0.00014; gnomAD 0.00015 and 0.00016; ExAC 0.00022.
gnomAD v4.1: 172 of 1,600,720 alleles (0.011%); highest among the groups gnomAD compares: African/African-American, 0.017%; no homozygotes.

Submissions (2):

Labcorp Genetics (formerly Invitae), Labcorp
Classification: Uncertain significance. Last evaluated: 2025-08-07. Review status: criteria provided, single submitter. Criteria: Invitae Variant Classification Sherloc (09022015). Collection method: clinical testing. Allele origin: germline.
Comment: This sequence change replaces threonine, which is neutral and polar, with methionine, which is neutral and non-polar, at codon 56 of the FSCN2 protein (p.Thr56Met). This variant is present in population databases (rs374436472, gnomAD 0.03%). This variant has not been reported in the literature in individuals affected with FSCN2-related conditions. ClinVar contains an entry for this variant (Variation ID: 860392). An algorithm developed to predict the effect of missense changes on protein structure and function (PolyPhen-2) suggests that this variant is likely to be disruptive. In summary, the available evidence is currently insufficient to determine the role of this variant in disease. Therefore, it has been classified as a Variant of Uncertain Significance.

Ambry Genetics
Classification: Uncertain significance. Last evaluated: 2025-07-15. Review status: criteria provided, single submitter. Criteria: Ambry Variant Classification Scheme 2023. Collection method: clinical testing. Allele origin: germline.

NM_012418.4(FSCN2):c.167C>T (p.Thr56Met)

Gene: FSCN2 (fascin actin-bundling protein 2, retinal; plus strand). Cytogenetic location: 17q25.3.
Variant type: single nucleotide variant.
Coding change: c.167C>T on transcript NM_012418.4 (MANE Select); coding-DNA position 167, C replaced by T.
Protein change: p.Thr56Met; replaces threonine 56 with methionine.
Molecular consequence: missense variant.
Genome position (GRCh38, 1-based): chr17:81,528,698, C>T. VCF-style: chr17-81528698-C-T. GRCh37 (hg19) VCF-style: chr17-79495724-C-T.
Other names: c.167C>T, p.Thr56Met (NM_001077182.3); short protein forms T56M.
Identifiers: ClinVar variation 860392 (VCV000860392.10), dbSNP rs374436472, ClinGen allele CA8836599.